The following is an entry in ClinVar:

ClinVar aggregate classification (germline): Conflicting classifications of pathogenicity. Review status: criteria provided, conflicting classifications (1 of 4 stars). 5 submissions from 5 submitters: Uncertain significance (1); Benign (1); Likely benign (3). Last evaluated 2026-01-22.

Conditions:
Catecholaminergic polymorphic ventricular tachycardia 2. Also called: VENTRICULAR TACHYCARDIA, STRESS-INDUCED POLYMORPHIC 2; CASQ2-Related Catecholaminergic Polymorphic Ventricular Tachycardia. Identifiers: Orphanet 3286, MedGen C2677794, MONDO:0012762, OMIM 611938.
Catecholaminergic polymorphic ventricular tachycardia 1. Also called: VENTRICULAR TACHYCARDIA, CATECHOLAMINERGIC POLYMORPHIC, 1, WITH OR WITHOUT ATRIAL DYSFUNCTION AND/OR DILATED CARDIOMYOPATHY; VENTRICULAR TACHYCARDIA, STRESS-INDUCED POLYMORPHIC 1; RYR2-Related Catecholaminergic Polymorphic Ventricular Tachycardia. Identifiers: Orphanet 3286, MedGen C1631597, MONDO:0011484, OMIM 604772.

Allele frequency attached by ClinVar (database versions not stated): ESP Exome Variant Server 0.00015; 1000 Genomes Project 30x 0.00016; TOPMed 0.00029.
gnomAD v4.1: 630 of 1,423,526 alleles (0.044%); highest among the groups gnomAD compares: Non-Finnish European, 0.042%; 1 homozygote.

Submissions (5):

Labcorp Genetics (formerly Invitae), Labcorp
Classification: Benign for Catecholaminergic polymorphic ventricular tachycardia 1. Last evaluated: 2026-01-22. Review status: criteria provided, single submitter. Criteria: Invitae Variant Classification Sherloc (09022015). Collection method: clinical testing. Allele origin: germline.

Blueprint Genetics
Classification: Likely benign. Last evaluated: 2024-11-13. Review status: criteria provided, single submitter. Criteria: ACMG Guidelines, 2015. Collection method: clinical testing. Allele origin: germline.

Illumina Laboratory Services, Illumina
Classification: Uncertain significance for Catecholaminergic polymorphic ventricular tachycardia 2. Last evaluated: 2018-01-13. Review status: criteria provided, single submitter. Criteria: ICSL Variant Classification Criteria 13 December 2019. Collection method: clinical testing. Allele origin: germline.

GeneDx
Classification: Likely benign. Last evaluated: 2016-05-09. Review status: criteria provided, single submitter. Criteria: GeneDx Variant Classification (06012015). Collection method: clinical testing. Allele origin: germline. Affected: yes.
Comment: This variant is considered likely benign or benign based on one or more of the following criteria: it is a conservative change, it occurs at a poorly conserved position in the protein, it is predicted to be benign by multiple in silico algorithms, and/or has population frequency not consistent with disease.

Laboratory for Molecular Medicine, Mass General Brigham Personalized Medicine
Classification: Likely benign. Last evaluated: 2013-01-23. Review status: criteria provided, single submitter. Criteria: LMM Criteria. Collection method: clinical testing. Allele origin: germline. Observed: 1 variant allele.
Comment: 421-15C>T in intron 4 of CASQ2: This variant is not expected to have clinical si gnificance because it is not located within the splice consensus sequence. It ha s been identified in 2/8600 European American chromosomes from a broad populatio n by the NHLBI Exome Sequencing Project.

NM_001232.4(CASQ2):c.421-15C>T

Gene: CASQ2 (calsequestrin 2; minus strand). Cytogenetic location: 1p13.1.
Variant type: single nucleotide variant.
Coding change: c.421-15C>T on transcript NM_001232.4 (MANE Select); 15 bases into the intron before coding-DNA position 421, C replaced by T.
Molecular consequence: intron variant.
Genome position (GRCh38, 1-based): chr1:115,738,350, G>A on the plus strand (C>T on the coding strand, the complement: CASQ2 is on the minus strand). VCF-style: chr1-115738350-G-A. GRCh37 (hg19) VCF-style: chr1-116280971-G-A.
Identifiers: ClinVar variation 44166 (VCV000044166.18), dbSNP rs199939582, ClinGen allele CA133705.
Genomic context (GRCh38, chr1:115,738,350, plus strand): 5'-GGACTTCCAGTTTGCTGCTGATGATCTCCACTGGGTCTTCAATTAGCTGAAATGCCACAC[G>A]CACATACACACATGTTCAAACAAGAGATTTCCTTCTTCACTGGGGAAACAGAGTGCATTG-3'